The following is an entry in ClinVar:

NM_001044370.2(MPPED1):c.11C>G (p.Ser4Cys)

Gene: MPPED1 (metallophosphoesterase domain containing 1; plus strand). Cytogenetic location: 22q13.2.
Variant type: single nucleotide variant.
Coding change: c.11C>G on transcript NM_001044370.2 (MANE Select); coding-DNA position 11, C replaced by G.
Protein change: p.Ser4Cys; replaces serine 4 with cysteine.
Molecular consequence: missense variant.
Genome position (GRCh38, 1-based): chr22:43,424,996, C>G. VCF-style: chr22-43424996-C-G. GRCh37 (hg19) VCF-style: chr22-43821002-C-G.
Other names: c.11C>G, p.Ser4Cys (NM_001362786.2); short protein forms S4C.
Identifiers: ClinVar variation 3295744 (VCV003295744.1).

ClinVar aggregate classification (germline): Uncertain significance (1 of 4 stars; one submission).

gnomAD v4.1: 8 of 1,598,474 alleles (0.0005%); highest among the groups gnomAD compares: East Asian, 0.018%; no homozygotes.

Submission:

Ambry Genetics
Classification: Uncertain significance. Last evaluated: 2024-05-13. Review status: criteria provided, single submitter. Criteria: Ambry Variant Classification Scheme 2023. Collection method: clinical testing. Allele origin: germline.
Comment: The c.11C>G (p.S4C) alteration is located in exon (coding exon ) of the MPPED1 gene. This alteration results from a C to G substitution at nucleotide position 11, causing the serine (S) at amino acid position 4 to be replaced by a cysteine (C). Based on insufficient or conflicting evidence, the clinical significance of this alteration remains unclear.